The following is an entry in ClinVar:

NM_006133.3(DAGLA):c.1005C>T (p.Phe335=)

Gene: DAGLA (diacylglycerol lipase alpha; plus strand). Cytogenetic location: 11q12.2.
Variant type: single nucleotide variant.
Coding change: c.1005C>T on transcript NM_006133.3 (MANE Select); coding-DNA position 1005, C replaced by T.
Protein change: p.Phe335=; no amino-acid change (phenylalanine 335 retained).
Molecular consequence: synonymous variant.
Genome position (GRCh38, 1-based): chr11:61,734,879, C>T. VCF-style: chr11-61734879-C-T. GRCh37 (hg19) VCF-style: chr11-61502351-C-T.
Identifiers: ClinVar variation 785355 (VCV000785355.6), dbSNP rs73485460, ClinGen allele CA6036741.

ClinVar aggregate classification (germline): Benign. Review status: criteria provided, multiple submitters, no conflicts (2 of 4 stars). 3 submissions from 3 submitters: Benign (2). 1 of the submissions does not count toward it. Last evaluated 2018-05-09.

Conditions:
DAGLA-related disorder. Also called: DAGLA-related condition.

Allele frequency attached by ClinVar (database versions not stated): gnomAD exomes 0.00061 and 0.00168; ExAC 0.00209; gnomAD 0.00676 and 0.00725; ESP Exome Variant Server 0.00823; 1000 Genomes Project 30x 0.00703; TOPMed 0.00745; 1000 Genomes Project 0.00639.
gnomAD v4.1: 1,918 of 1,613,858 alleles (0.12%); highest among the groups gnomAD compares: African/African-American, 2.4%; 24 homozygotes.

Submissions (3):

Labcorp Genetics (formerly Invitae), Labcorp
Classification: Benign. Last evaluated: 2018-05-09. Review status: criteria provided, single submitter. Criteria: Invitae Variant Classification Sherloc (09022015). Collection method: clinical testing. Allele origin: germline.

Breakthrough Genomics
Classification: Benign. Review status: criteria provided, single submitter. Criteria: ACMG Guidelines, 2015. Collection method: not provided. Allele origin: germline. Inheritance: Unknown mechanism. Affected: yes.

PreventionGenetics, part of Exact Sciences
Classification: Benign for DAGLA-related condition. Last evaluated: 2019-06-10. Review status: no assertion criteria provided. Collection method: clinical testing. Allele origin: germline. Not counted in ClinVar's aggregate classification.
Comment: This variant is classified as benign based on ACMG/AMP sequence variant interpretation guidelines (Richards et al. 2015 PMID: 25741868, with internal and published modifications).